The following is an entry in ClinVar:

ClinVar aggregate classification (germline): Uncertain significance. Review status: criteria provided, multiple submitters, no conflicts (2 of 4 stars). 2 submissions from 2 submitters: Uncertain significance (2). Last evaluated 2024-04-25.

Conditions:
Sulfite oxidase deficiency due to molybdenum cofactor deficiency type A. Also called: Molybdenum Cofactor Deficiency A; Molybdenum cofactor deficiency, complementation group A. Identifiers: Orphanet 308386, Orphanet 833, MedGen C1854988, MONDO:0009643, OMIM 252150.

Allele frequency attached by ClinVar (database versions not stated): gnomAD exomes 0.00003; TOPMed 0.00004; 1000 Genomes Project 30x 0.00031; 1000 Genomes Project 0.00040.
gnomAD v4.1: 101 of 1,567,080 alleles (0.0064%); highest among the groups gnomAD compares: Non-Finnish European, 0.0082%; no homozygotes.

Submissions (2):

Blueprint Genetics
Classification: Uncertain significance. Last evaluated: 2024-04-25. Review status: criteria provided, single submitter. Criteria: ACMG Guidelines, 2015. Collection method: clinical testing. Allele origin: germline.

Labcorp Genetics (formerly Invitae), Labcorp
Classification: Uncertain significance for Sulfite oxidase deficiency due to molybdenum cofactor deficiency type A. Last evaluated: 2022-09-27. Review status: criteria provided, single submitter. Criteria: Invitae Variant Classification Sherloc (09022015). Collection method: clinical testing. Allele origin: germline.
Comment: This sequence change replaces alanine, which is neutral and non-polar, with glutamic acid, which is acidic and polar, at codon 2 of the MOCS1 protein (p.Ala2Glu). The frequency data for this variant in the population databases is considered unreliable, as metrics indicate poor data quality at this position in the gnomAD database. This variant has not been reported in the literature in individuals affected with MOCS1-related conditions. ClinVar contains an entry for this variant (Variation ID: 1013655). Algorithms developed to predict the effect of missense changes on protein structure and function are either unavailable or do not agree on the potential impact of this missense change (SIFT: "Deleterious"; PolyPhen-2: "Not Available"; Align-GVGD: "Class C0"). In summary, the available evidence is currently insufficient to determine the role of this variant in disease. Therefore, it has been classified as a Variant of Uncertain Significance.

NM_001358530.2(MOCS1):c.5C>A (p.Ala2Glu)

Gene: MOCS1 (molybdenum cofactor synthesis 1; minus strand). Cytogenetic location: 6p21.2.
Variant type: single nucleotide variant.
Coding change: c.5C>A on transcript NM_001358530.2 (MANE Select); coding-DNA position 5, C replaced by A.
Protein change: p.Ala2Glu; replaces alanine 2 with glutamic acid.
Molecular consequence: missense variant. On other transcripts: 5 prime UTR variant (2), non-coding transcript variant (1).
Genome position (GRCh38, 1-based): chr6:39,934,413, G>T on the plus strand (C>A on the coding strand, the complement: MOCS1 is on the minus strand). VCF-style: chr6-39934413-G-T. GRCh37 (hg19) VCF-style: chr6-39902152-G-T.
Other names: c.5C>A, p.Ala2Glu (NM_001075098.4, NM_001358529.2); c.-130C>A (NM_001358531.2, NM_001358533.2); short protein forms A2E.
Identifiers: ClinVar variation 1013655 (VCV001013655.5), dbSNP rs533996841, ClinGen allele CA3796511.